The following is an entry in ClinVar:

NM_020949.3(SLC7A14):c.1357G>A (p.Glu453Lys)

Genes: SLC7A14 (solute carrier family 7 member 14; minus strand), SLC7A14-AS1 (SLC7A14 antisense RNA 1; plus strand). Cytogenetic location: 3q26.2.
Variant type: single nucleotide variant.
Coding change: c.1357G>A on transcript NM_020949.3 (MANE Select); coding-DNA position 1357, G replaced by A.
Protein change: p.Glu453Lys; replaces glutamic acid 453 with lysine.
Molecular consequence: missense variant.
Genome position (GRCh38, 1-based): chr3:170,480,925, C>T on the plus strand (G>A on the coding strand, the complement: SLC7A14 is on the minus strand). VCF-style: chr3-170480925-C-T. GRCh37 (hg19) VCF-style: chr3-170198714-C-T.
Other names: short protein forms E453K.
Identifiers: ClinVar variation 3696643 (VCV003696643.2).
Genomic context (GRCh38, chr3:170,480,925, plus strand): 5'-ACTCATCCCCCTCACTCACAGGAGAACAAGCTTCCTTCTCACAGTCAGCCAGAATGCCCT[C>T]CTTCTTCTTGGTGTGCTCCTCAGACAAGAACTTGACAAAACCATCAATGTCACTCTCAGG-3'
Protein context (NP_066000.2, residues 443-463): FLSEEHTKKK[Glu453Lys]GILADCEKEA

ClinVar aggregate classification (germline): Uncertain significance (1 of 4 stars; one submission).

Submission:

Labcorp Genetics (formerly Invitae), Labcorp
Classification: Uncertain significance. Last evaluated: 2024-04-29. Review status: criteria provided, single submitter. Criteria: Invitae Variant Classification Sherloc (09022015). Collection method: clinical testing. Allele origin: germline.
Comment: This sequence change replaces glutamic acid, which is acidic and polar, with lysine, which is basic and polar, at codon 453 of the SLC7A14 protein (p.Glu453Lys). This variant is not present in population databases (gnomAD no frequency). This variant has not been reported in the literature in individuals affected with SLC7A14-related conditions. An algorithm developed to predict the effect of missense changes on protein structure and function (PolyPhen-2) suggests that this variant is likely to be tolerated. In summary, the available evidence is currently insufficient to determine the role of this variant in disease. Therefore, it has been classified as a Variant of Uncertain Significance.